The following is an entry in ClinVar:

ClinVar aggregate classification (germline): Uncertain significance (1 of 4 stars; one submission).

gnomAD v4.1: 1 of 1,547,074 alleles (0.000065%); highest among the groups gnomAD compares: Non-Finnish European, 0.000087%; no homozygotes.

Submission:

Labcorp Genetics (formerly Invitae), Labcorp
Classification: Uncertain significance. Last evaluated: 2025-03-16. Review status: criteria provided, single submitter. Criteria: Invitae Variant Classification Sherloc (09022015). Collection method: clinical testing. Allele origin: germline.
Comment: This sequence change replaces valine, which is neutral and non-polar, with methionine, which is neutral and non-polar, at codon 15 of the FH protein (p.Val15Met). This variant is not present in population databases (gnomAD no frequency). This variant has not been reported in the literature in individuals affected with FH-related conditions. ClinVar contains an entry for this variant (Variation ID: 2816681). Invitae Evidence Modeling of protein sequence and biophysical properties (such as structural, functional, and spatial information, amino acid conservation, physicochemical variation, residue mobility, and thermodynamic stability) indicates that this missense variant is not expected to disrupt FH protein function with a negative predictive value of 95%. In summary, the available evidence is currently insufficient to determine the role of this variant in disease. Therefore, it has been classified as a Variant of Uncertain Significance.

NM_000143.4(FH):c.43G>A (p.Val15Met)

Gene: FH (fumarate hydratase; minus strand). Cytogenetic location: 1q43.
Variant type: single nucleotide variant.
Coding change: c.43G>A on transcript NM_000143.4 (MANE Select); coding-DNA position 43, G replaced by A.
Protein change: p.Val15Met; replaces valine 15 with methionine.
Molecular consequence: missense variant.
Genome position (GRCh38, 1-based): chr1:241,519,680, C>T on the plus strand (G>A on the coding strand, the complement: FH is on the minus strand). VCF-style: chr1-241519680-C-T. GRCh37 (hg19) VCF-style: chr1-241682980-C-T.
Other names: short protein forms V15M.
Identifiers: ClinVar variation 2816681 (VCV002816681.3), dbSNP rs1463008959, ClinGen allele CA345442971.